The following is an entry in ClinVar:

NM_001365951.3(KIF1B):c.2558G>A (p.Arg853Gln)

Gene: KIF1B (kinesin family member 1B; plus strand). Cytogenetic location: 1p36.22.
Variant type: single nucleotide variant.
Coding change: c.2558G>A on transcript NM_001365951.3 (MANE Select); coding-DNA position 2558, G replaced by A.
Protein change: p.Arg853Gln; replaces arginine 853 with glutamine.
Molecular consequence: missense variant.
Genome position (GRCh38, 1-based): chr1:10,324,778, G>A. VCF-style: chr1-10324778-G-A. GRCh37 (hg19) VCF-style: chr1-10384836-G-A.
Other names: c.2558G>A, p.Arg853Gln (NM_001365952.1); c.2420G>A, p.Arg807Gln (NM_015074.3); short protein forms R807Q, R853Q.
Identifiers: ClinVar variation 962543 (VCV000962543.11), dbSNP rs752039135, ClinGen allele CA581555.

ClinVar aggregate classification (germline): Uncertain significance. Review status: criteria provided, multiple submitters, no conflicts (2 of 4 stars). 2 submissions from 2 submitters: Uncertain significance (2). Last evaluated 2025-02-04.

Conditions:
Charcot-Marie-Tooth disease type 2. Also called: Charcot-Marie-Tooth type 2. Identifiers: Orphanet 64746, MedGen C0270914, MONDO:0018993.

Allele frequency attached by ClinVar (database versions not stated): gnomAD exomes 0.00001 and below 0.00001; ExAC 0.00002; gnomAD 0.00002.
gnomAD v4.1: 7 of 1,613,902 alleles (0.00043%); highest among the groups gnomAD compares: African/African-American, 0.0027%; no homozygotes.

Submissions (2):

Labcorp Genetics (formerly Invitae), Labcorp
Classification: Uncertain significance for Charcot-Marie-Tooth disease type 2. Last evaluated: 2025-02-04. Review status: criteria provided, single submitter. Criteria: Invitae Variant Classification Sherloc (09022015). Collection method: clinical testing. Allele origin: germline.
Comment: This sequence change replaces arginine, which is basic and polar, with glutamine, which is neutral and polar, at codon 807 of the KIF1B protein (p.Arg807Gln). This variant is present in population databases (rs752039135, gnomAD 0.007%). This variant has not been reported in the literature in individuals affected with KIF1B-related conditions. ClinVar contains an entry for this variant (Variation ID: 962543). Invitae Evidence Modeling of protein sequence and biophysical properties (such as structural, functional, and spatial information, amino acid conservation, physicochemical variation, residue mobility, and thermodynamic stability) indicates that this missense variant is not expected to disrupt KIF1B protein function with a negative predictive value of 80%. In summary, the available evidence is currently insufficient to determine the role of this variant in disease. Therefore, it has been classified as a Variant of Uncertain Significance.

Ambry Genetics
Classification: Uncertain significance. Last evaluated: 2024-05-01. Review status: criteria provided, single submitter. Criteria: Ambry Variant Classification Scheme 2023. Collection method: clinical testing. Allele origin: germline.
Comment: The p.R807Q variant (also known as c.2420G>A), located in coding exon 23 of the KIF1B gene, results from a G to A substitution at nucleotide position 2420. The arginine at codon 807 is replaced by glutamine, an amino acid with highly similar properties. This amino acid position is highly conserved in available vertebrate species. In addition, this alteration is predicted to be deleterious by in silico analysis. The evidence for this gene-disease relationship is limited; therefore, the clinical significance of this alteration is unclear.